The following is an entry in ClinVar:

NM_001379500.1(COL18A1):c.624G>T (p.Ala208=)

Gene: COL18A1 (collagen type XVIII alpha 1 chain; plus strand). Cytogenetic location: 21q22.3.
Variant type: single nucleotide variant.
Coding change: c.624G>T on transcript NM_001379500.1 (MANE Select); coding-DNA position 624, G replaced by T.
Protein change: p.Ala208=; no amino-acid change (alanine 208 retained).
Molecular consequence: synonymous variant.
Genome position (GRCh38, 1-based): chr21:45,468,759, G>T. VCF-style: chr21-45468759-G-T. GRCh37 (hg19) VCF-style: chr21-46888673-G-T.
Other names: c.1164G>T, p.Ala388= (NM_030582.4); c.1869G>T, p.Ala623= (NM_130444.3); c.1164G>T (NM_030582.3).
Identifiers: ClinVar variation 1911785 (VCV001911785.7), dbSNP rs76148908, ClinGen allele CA321906515.

ClinVar aggregate classification (germline): Likely benign. Review status: criteria provided, single submitter (1 of 4 stars). 2 submissions from 2 submitters: Likely benign (1). 1 of the submissions does not count toward it. Last evaluated 2024-05-02.

Conditions:
COL18A1-related disorder. Also called: COL18A1-related condition; COL18A1-related disorders.

gnomAD v4.1: 17 of 1,603,530 alleles (0.0011%); highest among the groups gnomAD compares: Middle Eastern, 0.021%; no homozygotes.

Submissions (2):

Labcorp Genetics (formerly Invitae), Labcorp
Classification: Likely benign. Last evaluated: 2024-05-02. Review status: criteria provided, single submitter. Criteria: Invitae Variant Classification Sherloc (09022015). Collection method: clinical testing. Allele origin: germline.

PreventionGenetics, part of Exact Sciences
Classification: Likely benign for COL18A1-related condition. Last evaluated: 2022-02-07. Review status: no assertion criteria provided. Collection method: clinical testing. Allele origin: germline. Not counted in ClinVar's aggregate classification.
Comment: This variant is classified as likely benign based on ACMG/AMP sequence variant interpretation guidelines (Richards et al. 2015 PMID: 25741868, with internal and published modifications).